The following is an entry in ClinVar:

NM_000553.6(WRN):c.1161G>A (p.Met387Ile)

Gene: WRN (WRN RecQ like helicase; plus strand). Cytogenetic location: 8p12.
Variant type: single nucleotide variant.
Coding change: c.1161G>A on transcript NM_000553.6 (MANE Select); coding-DNA position 1161, G replaced by A.
Protein change: p.Met387Ile; replaces methionine 387 with isoleucine.
Molecular consequence: missense variant.
Genome position (GRCh38, 1-based): chr8:31,081,188, G>A. VCF-style: chr8-31081188-G-A. GRCh37 (hg19) VCF-style: chr8-30938704-G-A.
Other names: short protein forms M387I.
Identifiers: ClinVar variation 130757 (VCV000130757.24), dbSNP rs1800391, ClinGen allele CA156014.

ClinVar aggregate classification (germline): Benign/Likely benign. Review status: criteria provided, multiple submitters, no conflicts (2 of 4 stars). 13 submissions from 12 submitters: Benign (9); Likely benign (1). 3 of the submissions do not count toward it. Last evaluated 2026-02-04.

Conditions:
Wiskott-Aldrich syndrome (WAS). Also called: Wiskott-aldrich syndrome, somatic; WISKOTT-ALDRICH SYNDROME 1; ALDRICH SYNDROME; IMMUNODEFICIENCY 2. Identifiers: Orphanet 906, MedGen C0043194, MONDO:0010518, OMIM 301000.
Werner syndrome (WRN). Identifiers: Orphanet 902, MedGen C0043119, MONDO:0010196, OMIM 277700.

Allele frequency attached by ClinVar (database versions not stated): 1000 Genomes Project 0.04692; 1000 Genomes Project 30x 0.04700; TOPMed 0.05583; ESP Exome Variant Server 0.05751; gnomAD 0.06046 and 0.06125; gnomAD exomes 0.07519 and 0.07789; ExAC 0.07523.
gnomAD v4.1: 123,182 of 1,613,922 alleles (7.6%); highest among the groups gnomAD compares: Middle Eastern, 14%; 5,480 homozygotes.

Submissions (13):

Labcorp Genetics (formerly Invitae), Labcorp
Classification: Benign for Werner syndrome. Last evaluated: 2026-02-04. Review status: criteria provided, single submitter. Criteria: Invitae Variant Classification Sherloc (09022015). Collection method: clinical testing. Allele origin: germline.

KCCC/NGS Laboratory, Kuwait Cancer Control Center
Classification: Benign for Werner syndrome. Last evaluated: 2025-02-01. Review status: criteria provided, single submitter. Criteria: ACMG Guidelines, 2015. Collection method: clinical testing. Allele origin: germline. Affected: no.

Blueprint Genetics
Classification: Likely benign. Last evaluated: 2024-11-27. Review status: criteria provided, single submitter. Criteria: ACMG Guidelines, 2015. Collection method: clinical testing. Allele origin: germline.

KCCC/NGS Laboratory, Kuwait Cancer Control Center
Classification: Benign for Wiskott-Aldrich syndrome. Last evaluated: 2023-07-07. Review status: criteria provided, single submitter. Criteria: ACMG Guidelines, 2015. Collection method: clinical testing. Allele origin: germline. Affected: yes.

Mayo Clinic Laboratories, Mayo Clinic
Classification: Benign. Last evaluated: 2022-05-01. Review status: criteria provided, single submitter. Criteria: ACMG Guidelines, 2015. Collection method: clinical testing. Allele origin: germline. Observed: 61 variant alleles.

Genome-Nilou Lab
Classification: Benign for Werner syndrome. Last evaluated: 2021-12-05. Review status: criteria provided, single submitter. Criteria: ACMG Guidelines, 2015. Collection method: clinical testing. Allele origin: germline. Affected: no.

GeneDx
Classification: Benign. Last evaluated: 2018-06-02. Review status: criteria provided, single submitter. Criteria: GeneDx Variant Classification (06012015). Collection method: clinical testing. Allele origin: germline. Affected: yes.
Comment: This variant is considered likely benign or benign based on one or more of the following criteria: it is a conservative change, it occurs at a poorly conserved position in the protein, it is predicted to be benign by multiple in silico algorithms, and/or has population frequency not consistent with disease.

Illumina Laboratory Services, Illumina
Classification: Benign for Werner syndrome. Last evaluated: 2018-01-13. Review status: criteria provided, single submitter. Criteria: ICSL Variant Classification Criteria 13 December 2019. Collection method: clinical testing. Allele origin: germline.
Comment: This variant was observed in the ICSL laboratory as part of a predisposition screen in an ostensibly healthy population. It had not been previously curated by ICSL or reported in the Human Gene Mutation Database (HGMD: prior to June 1st, 2018), and was therefore a candidate for classification through an automated scoring system. Utilizing variant allele frequency, disease prevalence and penetrance estimates, and inheritance mode, an automated score was calculated to assess if this variant is too frequent to cause the disease. Based on the score and internal cut-off values, a variant classified as benign is not then subjected to further curation. The score for this variant resulted in a classification of benign for this disease.

Breakthrough Genomics
Classification: Benign. Review status: criteria provided, single submitter. Criteria: ACMG Guidelines, 2015. Collection method: not provided. Allele origin: germline. Inheritance: Autosomal recessive inheritance. Affected: yes.

PreventionGenetics, part of Exact Sciences
Classification: Benign. Review status: criteria provided, single submitter. Criteria: ACMG Guidelines, 2015. Collection method: clinical testing. Allele origin: germline.

Molecular Genetics Laboratory, BC Children's and BC Women's Hospitals
Classification: Benign for Werner syndrome. Last evaluated: 2015-08-12. Review status: no assertion criteria provided. Criteria: ACMG Guidelines, 2015. Collection method: clinical testing. Allele origin: germline. Affected: yes. Not counted in ClinVar's aggregate classification.

ITMI
No classification provided. Condition: AllHighlyPenetrant. Last evaluated: 2013-09-19. Review status: no classification provided. Collection method: reference population. Allele origin: germline. Not counted in ClinVar's aggregate classification.
Comment: Please see associated publication for description of ethnicities

Genetic Services Laboratory, University of Chicago
Classification: Likely benign for AllHighlyPenetrant. Review status: no assertion criteria provided. Collection method: clinical testing. Allele origin: germline. Inheritance: Autosomal recessive inheritance. Not counted in ClinVar's aggregate classification.
Comment: Likely benign based on allele frequency in 1000 Genomes Project or ESP global frequency and its presence in a patient with a rare or unrelated disease phenotype. NOT Sanger confirmed.

Literature cited by the submitters: PubMed 24728327 (cited by ITMI).